The following is an entry in ClinVar:

NM_000018.4(ACADVL):c.1049G>C (p.Gly350Ala)

Gene: ACADVL (acyl-CoA dehydrogenase very long chain; plus strand). Cytogenetic location: 17p13.1.
Variant type: single nucleotide variant.
Coding change: c.1049G>C on transcript NM_000018.4 (MANE Select); coding-DNA position 1049, G replaced by C.
Protein change: p.Gly350Ala; replaces glycine 350 with alanine.
Molecular consequence: missense variant.
Genome position (GRCh38, 1-based): chr17:7,222,837, G>C. VCF-style: chr17-7222837-G-C. GRCh37 (hg19) VCF-style: chr17-7126156-G-C.
Other names: c.983G>C, p.Gly328Ala (NM_001033859.3); c.1118G>C, p.Gly373Ala (NM_001270447.2); c.821G>C, p.Gly274Ala (NM_001270448.2); short protein forms G328A, G274A, G350A, G373A.
Identifiers: ClinVar variation 657441 (VCV000657441.8), dbSNP rs1343647718, ClinGen allele CA397724239.

ClinVar aggregate classification (germline): Uncertain significance (1 of 4 stars; one submission).

Conditions:
Very long chain acyl-CoA dehydrogenase deficiency (ACADVLD). Also called: VLCAD Deficiency; Very Long-Chain Acyl-Coenzyme A Dehydrogenase Deficiency. Identifiers: Orphanet 26793, MedGen C3887523, MONDO:0008723, OMIM 201475.

Submission:

Labcorp Genetics (formerly Invitae), Labcorp
Classification: Uncertain significance for Very long chain acyl-CoA dehydrogenase deficiency. Last evaluated: 2018-11-08. Review status: criteria provided, single submitter. Criteria: Invitae Variant Classification Sherloc (09022015). Collection method: clinical testing. Allele origin: germline.
Comment: In summary, the available evidence is currently insufficient to determine the role of this variant in disease. Therefore, it has been classified as a Variant of Uncertain Significance. Algorithms developed to predict the effect of missense changes on protein structure and function (SIFT, PolyPhen-2, Align-GVGD) all suggest that this variant is likely to be disruptive, but these predictions have not been confirmed by published functional studies and their clinical significance is uncertain. This variant has not been reported in the literature in individuals with ACADVL-related disease. This sequence change replaces glycine with alanine at codon 350 of the ACADVL protein (p.Gly350Ala). The glycine residue is highly conserved and there is a small physicochemical difference between glycine and alanine. This variant is not present in population databases (ExAC no frequency).